The following is an entry in ClinVar:

NM_000038.6(APC):c.6535A>G (p.Lys2179Glu)

Gene: APC (APC regulator of Wnt signaling pathway; plus strand). Cytogenetic location: 5q22.2.
Variant type: single nucleotide variant.
Coding change: c.6535A>G on transcript NM_000038.6 (MANE Select); coding-DNA position 6535, A replaced by G.
Protein change: p.Lys2179Glu; replaces lysine 2179 with glutamic acid.
Molecular consequence: missense variant.
Genome position (GRCh38, 1-based): chr5:112,842,129, A>G. VCF-style: chr5-112842129-A-G. GRCh37 (hg19) VCF-style: chr5-112177826-A-G.
Other names: c.6535A>G, p.Lys2179Glu (NM_001127510.3, NM_001354895.2); c.6481A>G, p.Lys2161Glu (NM_001127511.3); c.6589A>G, p.Lys2197Glu (NM_001354896.2); c.6565A>G, p.Lys2189Glu (NM_001354897.2); c.6460A>G, p.Lys2154Glu (NM_001354898.2); c.6451A>G, p.Lys2151Glu (NM_001354899.2); c.6412A>G, p.Lys2138Glu (NM_001354900.2); c.6358A>G, p.Lys2120Glu (NM_001354901.2); and 5 more; short protein forms K1896E, K2019E, K2138E, K2154E, K2078E, K2088E, K2120E, K2151E.
Identifiers: ClinVar variation 826468 (VCV000826468.19), dbSNP rs376096304, ClinGen allele CA045260.
Genomic context (GRCh38, chr5:112,842,129, plus strand): 5'-TTTACAAGTAATAAAGGCCCACGAATTCTAAAACCAGGGGAGAAAAGTACATTGGAAACT[A>G]AAAAGATAGAATCTGAAAGTAAAGGAATCAAAGGAGGAAAAAAAGTTTATAAAAGTTTGA-3'
Protein context (NP_000029.2, residues 2169-2189): KPGEKSTLET[Lys2179Glu]KIESESKGIK

ClinVar aggregate classification (germline): Uncertain significance. Review status: criteria provided, multiple submitters, no conflicts (2 of 4 stars). 4 submissions from 4 submitters: Uncertain significance (4). Last evaluated 2025-10-15.

Conditions:
Hereditary cancer-predisposing syndrome. Also called: Neoplastic Syndromes, Hereditary; Tumor predisposition; Hereditary neoplastic syndrome; Hereditary Cancer Syndrome. Identifiers: Orphanet 140162, MedGen C0027672, MeSH D009386, MONDO:0015356.
Familial adenomatous polyposis 1 (FAP1). Also called: POLYPOSIS, ADENOMATOUS INTESTINAL; FAMILIAL ADENOMATOUS POLYPOSIS 1, ATTENUATED. Identifiers: MedGen C2713442, MONDO:0021056, OMIM 175100. Disease mechanism: loss of function.

Allele frequency attached by ClinVar (database versions not stated): gnomAD exomes below 0.00001 and 0.00001; TOPMed below 0.00001; gnomAD 0.00001; ExAC 0.00002; ESP Exome Variant Server 0.00008.
gnomAD v4.1: 8 of 1,611,142 alleles (0.0005%); highest among the groups gnomAD compares: Non-Finnish European, 0.00059%; no homozygotes.

Submissions (4):

Labcorp Genetics (formerly Invitae), Labcorp
Classification: Uncertain significance for Familial adenomatous polyposis 1. Last evaluated: 2025-10-15. Review status: criteria provided, single submitter. Criteria: Invitae Variant Classification Sherloc (09022015). Collection method: clinical testing. Allele origin: germline.
Comment: This sequence change replaces lysine, which is basic and polar, with glutamic acid, which is acidic and polar, at codon 2179 of the APC protein (p.Lys2179Glu). This variant is present in population databases (rs376096304, gnomAD 0.002%). This variant has not been reported in the literature in individuals affected with APC-related conditions. ClinVar contains an entry for this variant (Variation ID: 826468). Invitae Evidence Modeling of protein sequence and biophysical properties (such as structural, functional, and spatial information, amino acid conservation, physicochemical variation, residue mobility, and thermodynamic stability) indicates that this missense variant is not expected to disrupt APC protein function with a negative predictive value of 95%. In summary, the available evidence is currently insufficient to determine the role of this variant in disease. Therefore, it has been classified as a Variant of Uncertain Significance.

Ambry Genetics
Classification: Uncertain significance for Hereditary cancer-predisposing syndrome. Last evaluated: 2025-05-20. Review status: criteria provided, single submitter. Criteria: Ambry Variant Classification Scheme 2023. Collection method: clinical testing. Allele origin: germline.
Comment: The p.K2179E variant (also known as c.6535A>G), located in coding exon 15 of the APC gene, results from an A to G substitution at nucleotide position 6535. The lysine at codon 2179 is replaced by glutamic acid, an amino acid with similar properties. This amino acid position is highly conserved in available vertebrate species. In addition, in silico predictors for this gene do not accurately predict pathogenicity. Since supporting evidence is limited at this time, the clinical significance of this alteration remains unclear.

Color Diagnostics, LLC DBA Color Health
Classification: Uncertain significance for Hereditary cancer-predisposing syndrome. Last evaluated: 2024-03-06. Review status: criteria provided, single submitter. Criteria: ACMG Guidelines, 2015. Collection method: clinical testing. Allele origin: germline.
Comment: This missense variant replaces lysine with glutamic acid at codon 2179 of the APC protein. Computational prediction suggests that this variant may not impact protein structure and function (internally defined REVEL score threshold <= 0.5, PMID: 27666373). To our knowledge, functional studies have not been reported for this variant. This variant has not been reported in individuals affected with hereditary cancer in the literature. This variant has been identified in 2/248812 chromosomes in the general population by the Genome Aggregation Database (gnomAD). The available evidence is insufficient to determine the role of this variant in disease conclusively. Therefore, this variant is classified as a Variant of Uncertain Significance.

GeneDx
Classification: Uncertain significance. Last evaluated: 2022-03-16. Review status: criteria provided, single submitter. Criteria: GeneDx Variant Classification Process June 2021. Collection method: clinical testing. Allele origin: germline. Affected: yes.
Comment: Not observed at significant frequency in large population cohorts (gnomAD); In silico analysis supports that this missense variant does not alter protein structure/function; Has not been previously published as pathogenic or benign to our knowledge